The following is an entry in ClinVar:

NM_015991.4(C1QA):c.195C>G (p.Gly65=)

Gene: C1QA (complement C1q A chain; plus strand). Cytogenetic location: 1p36.12.
Variant type: single nucleotide variant.
Coding change: c.195C>G on transcript NM_015991.4 (MANE Select); coding-DNA position 195, C replaced by G.
Protein change: p.Gly65=; no amino-acid change (glycine 65 retained).
Molecular consequence: synonymous variant.
Genome position (GRCh38, 1-based): chr1:22,638,864, C>G. VCF-style: chr1-22638864-C-G. GRCh37 (hg19) VCF-style: chr1-22965357-C-G.
Other names: c.195C>G, p.Gly65= (NM_001347465.2, NM_001347466.2).
Identifiers: ClinVar variation 3030297 (VCV003030297.2), dbSNP rs761744728, ClinGen allele CA677740.
Genomic context (GRCh38, chr1:22,638,864, plus strand): 5'-CACTTCCAATCTGGCATTTCTCCCCACAGGGGCCCCTGGCATCCGGACAGGCATCCAAGG[C>G]CTTAAAGGAGACCAGGGGGAACCTGGGCCCTCTGGAAACCCCGGCAAGGTGGGCTACCCA-3'
Protein context (NP_057075.1, residues 55-75): GAPGIRTGIQ[Gly65=]LKGDQGEPGP

ClinVar aggregate classification (germline): Likely benign (0 of 4 stars; one submission).

Conditions:
C1QA-related disorder. Also called: C1QA-related condition.

Allele frequency attached by ClinVar (database versions not stated): gnomAD exomes below 0.00001; TOPMed 0.00001; ExAC 0.00006.
gnomAD v4.1: 5 of 1,593,278 alleles (0.00031%); highest among the groups gnomAD compares: Non-Finnish European, 0.00043%; no homozygotes.

Submission:

PreventionGenetics, part of Exact Sciences
Classification: Likely benign for C1QA-related condition. Last evaluated: 2023-04-25. Review status: no assertion criteria provided. Collection method: clinical testing. Allele origin: germline.
Comment: This variant is classified as likely benign based on ACMG/AMP sequence variant interpretation guidelines (Richards et al. 2015 PMID: 25741868, with internal and published modifications).